The following is an entry in ClinVar:

NM_014739.3(BCLAF1):c.2648G>A (p.Ser883Asn)

Gene: BCLAF1 (BCL2 associated transcription factor 1; minus strand). Cytogenetic location: 6q23.3.
Variant type: single nucleotide variant.
Coding change: c.2648G>A on transcript NM_014739.3 (MANE Select); coding-DNA position 2648, G replaced by A.
Protein change: p.Ser883Asn; replaces serine 883 with asparagine.
Molecular consequence: missense variant. On other transcripts: non-coding transcript variant (7).
Genome position (GRCh38, 1-based): chr6:136,261,374, C>T on the plus strand (G>A on the coding strand, the complement: BCLAF1 is on the minus strand). VCF-style: chr6-136261374-C-T. GRCh37 (hg19) VCF-style: chr6-136582512-C-T.
Other names: NC_000006.11:g.136582512C>T; c.2495G>A, p.Ser832Asn (NM_001077440.3); c.2129G>A, p.Ser710Asn (NM_001077441.3, NM_001386702.1); c.2642G>A, p.Ser881Asn (NM_001301038.3); c.2501G>A, p.Ser834Asn (NM_001363659.3); c.2645G>A, p.Ser882Asn (NM_001386693.1); c.2498G>A, p.Ser833Asn (NM_001386694.1); c.2126G>A, p.Ser709Asn (NM_001386695.1); and 5 more; short protein forms S482N, S659N, S661N, S708N, S709N, S710N, S832N, S833N.
Identifiers: ClinVar variation 3039027 (VCV003039027.3), dbSNP rs148203420, ClinGen allele CA4014055.

ClinVar aggregate classification (germline): Likely benign (0 of 4 stars; one submission).

Conditions:
BCLAF1-related disorder. Also called: BCLAF1-related condition.

Allele frequency attached by ClinVar (database versions not stated): ESP Exome Variant Server 0.00677; ExAC 0.00415.

Submissions (4):

PreventionGenetics, part of Exact Sciences
Classification: Likely benign for BCLAF1-related condition. Last evaluated: 2023-04-05. Review status: no assertion criteria provided. Collection method: clinical testing. Allele origin: germline.
Comment: This variant is classified as likely benign based on ACMG/AMP sequence variant interpretation guidelines (Richards et al. 2015 PMID: 25741868, with internal and published modifications).

Dr. Peter K. Rogan Lab, Western University
No classification provided (evidence only). Condition: Clear cell carcinoma of kidney. Review status: no classification provided. Collection method: in vitro. Allele origin: not applicable. Functional consequence: cryptic splice site. Not counted in ClinVar's aggregate classification.

Dr. Peter K. Rogan Lab, Western University
No classification provided (evidence only). Condition: Hepatocellular carcinoma. Review status: no classification provided. Collection method: in vitro. Allele origin: not applicable. Functional consequence: retained intron. Not counted in ClinVar's aggregate classification.

Dr. Peter K. Rogan Lab, Western University
No classification provided (evidence only). Condition: Ovarian serous cystadenocarcinoma. Review status: no classification provided. Collection method: in vitro. Allele origin: not applicable. Functional consequence: retained intron. Not counted in ClinVar's aggregate classification.